The following is an entry in ClinVar:

ClinVar aggregate classification (germline): Uncertain significance (1 of 4 stars; one submission).

Conditions:
Ataxia-telangiectasia syndrome (AT). Also called: LOUIS-BAR SYNDROME; Cerebello-oculocutaneous telangiectasia; Immunodeficiency with ataxia telangiectasia; ATAXIA-TELANGIECTASIA, COMPLEMENTATION GROUP A; ATAXIA-TELANGIECTASIA, FRESNO VARIANT; Ataxia-telangiectasia. Identifiers: Orphanet 100, MedGen C0004135, MONDO:0008840, OMIM 208900.

gnomAD v4.1: 1 of 1,614,210 alleles (0.000062%); highest among the groups gnomAD compares: Admixed American, 0.0017%; no homozygotes.

Submission:

Labcorp Genetics (formerly Invitae), Labcorp
Classification: Uncertain significance for Ataxia-telangiectasia syndrome. Last evaluated: 2024-06-11. Review status: criteria provided, single submitter. Criteria: Invitae Variant Classification Sherloc (09022015). Collection method: clinical testing. Allele origin: germline.
Comment: This sequence change replaces threonine, which is neutral and polar, with alanine, which is neutral and non-polar, at codon 3024 of the ATM protein (p.Thr3024Ala). This variant is present in population databases (no rsID available, gnomAD 0.003%). This variant has not been reported in the literature in individuals affected with ATM-related conditions. An algorithm developed to predict the effect of missense changes on protein structure and function (PolyPhen-2) suggests that this variant is likely to be tolerated. In summary, the available evidence is currently insufficient to determine the role of this variant in disease. Therefore, it has been classified as a Variant of Uncertain Significance.

NM_000051.4(ATM):c.9070A>G (p.Thr3024Ala)

Genes: ATM (ATM serine/threonine kinase; plus strand), C11orf65 (chromosome 11 open reading frame 65; minus strand). Cytogenetic location: 11q22.3.
Variant type: single nucleotide variant.
Coding change: c.9070A>G on transcript NM_000051.4 (MANE Select); coding-DNA position 9070, A replaced by G.
Protein change: p.Thr3024Ala; replaces threonine 3024 with alanine.
Molecular consequence: missense variant. On other transcripts: intron variant (2).
Genome position (GRCh38, 1-based): chr11:108,365,407, A>G. VCF-style: chr11-108365407-A-G. GRCh37 (hg19) VCF-style: chr11-108236134-A-G.
Other names: c.9070A>G, p.Thr3024Ala (NM_001351834.2); c.640+20513T>C (NM_001330368.2); c.694+20513T>C (NM_001351110.2); short protein forms T3024A.
Identifiers: ClinVar variation 3605717 (VCV003605717.2).
Genomic context (GRCh38, chr11:108,365,407, plus strand): 5'-AAAGTAGCTGAACGTGTCTTAATGAGACTACAAGAGAAACTGAAAGGAGTGGAAGAAGGC[A>G]CTGTGCTCAGTGTTGGTGGACAAGTGAATTTGCTCATACAGCAGGCCATAGACCCCAAAA-3'
Protein context (NP_000042.3, residues 3014-3034): QEKLKGVEEG[Thr3024Ala]VLSVGGQVNL